The following is an entry in ClinVar:

ClinVar aggregate classification (germline): Uncertain significance (1 of 4 stars; one submission).

Submission:

CeGaT Center for Human Genetics Tuebingen
Classification: Uncertain significance. Last evaluated: 2024-10-01. Review status: criteria provided, single submitter. Criteria: CeGaT Center For Human Genetics Tuebingen Variant Classification Criteria Version 2. Collection method: clinical testing. Allele origin: germline. Affected: yes. Observed: 1 variant allele.
Comment: COL1A1: PM2, PP3, PP4, PS1:Supporting

NM_000088.4(COL1A1):c.2829+5G>C

Gene: COL1A1 (collagen type I alpha 1 chain; minus strand). Cytogenetic location: 17q21.33.
Variant type: single nucleotide variant.
Coding change: c.2829+5G>C on transcript NM_000088.4 (MANE Select); 5 bases into the intron after coding-DNA position 2829, G replaced by C.
Molecular consequence: intron variant.
Genome position (GRCh38, 1-based): chr17:50,189,372, C>G on the plus strand (G>C on the coding strand, the complement: COL1A1 is on the minus strand). VCF-style: chr17-50189372-C-G. GRCh37 (hg19) VCF-style: chr17-48266733-C-G.
Identifiers: ClinVar variation 3389981 (VCV003389981.14).